The following is an entry in ClinVar:

ClinVar aggregate classification (germline): Uncertain significance (1 of 4 stars; one submission).

Submission:

GeneDx
Classification: Uncertain significance. Last evaluated: 2026-04-02. Review status: criteria provided, single submitter. Criteria: GeneDx Variant Classification Process June 2021. Collection method: clinical testing. Allele origin: germline.
Comment: Not observed at significant frequency in large population cohorts (gnomAD); In silico analysis supports that this missense variant has a deleterious effect on protein structure/function; Has not been previously published as pathogenic or benign to our knowledge

NM_001042750.2(STAG2):c.323A>T (p.His108Leu)

Gene: STAG2 (STAG2 cohesin complex component; plus strand). Cytogenetic location: Xq25.
Variant type: single nucleotide variant.
Coding change: c.323A>T on transcript NM_001042750.2 (MANE Select); coding-DNA position 323, A replaced by T.
Protein change: p.His108Leu; replaces histidine 108 with leucine.
Molecular consequence: missense variant.
Genome position (GRCh38, 1-based): chrX:124,037,561, A>T. VCF-style: chrX-124037561-A-T. GRCh37 (hg19) VCF-style: chrX-123171411-A-T.
Other names: c.323A>T, p.His108Leu (NM_001042749.2, NM_001042751.2, NM_001282418.2 and 23 more transcripts); short protein forms H108L.
Identifiers: ClinVar variation 5018083 (VCV005018083.1).
Genomic context (GRCh38, chrX:124,037,561, plus strand): 5'-ATTTTATTTTTTTCCCTCTGCTGTAGTCGGTGGTAGATGATTGGATAGAATCATACAAGC[A>T]TGACCGAGATATAGCACTTCTTGACCTTATCAACTTTTTTATTCAGTGTTCAGGCTGTAA-3'
Protein context (NP_001036215.1, residues 98-118): VVDDWIESYK[His108Leu]DRDIALLDLI